The following is an entry in ClinVar:

NM_004218.4(RAB11B):c.40+4del

Genes: RAB11B-AS1 (RAB11B antisense RNA 1; minus strand), RAB11B (RAB11B, member RAS oncogene family; plus strand). Cytogenetic location: 19p13.2.
Variant type: Deletion.
Coding change: c.40+4del on transcript NM_004218.4 (MANE Select); 4 bases into the intron after coding-DNA position 40, one base deleted (C; older notation c.40+4delC).
Molecular consequence: intron variant. On other transcripts: non-coding transcript variant (1).
Genome position (GRCh38, 1-based): chr19:8,390,460, C deleted. VCF-style (leftmost placement, unchanged base first): chr19-8390459-GC-G. GRCh37 (hg19) VCF-style: chr19-8455343-GC-G.
Identifiers: ClinVar variation 1983857 (VCV001983857.4), dbSNP rs1971338351, ClinGen allele CA993259881.

ClinVar aggregate classification (germline): Uncertain significance (1 of 4 stars; one submission).

Allele frequency attached by ClinVar (database versions not stated): gnomAD exomes below 0.00001; TOPMed below 0.00001; gnomAD 0.00001.

Submission:

Labcorp Genetics (formerly Invitae), Labcorp
Classification: Uncertain significance. Last evaluated: 2024-05-10. Review status: criteria provided, single submitter. Criteria: Invitae Variant Classification Sherloc (09022015). Collection method: clinical testing. Allele origin: germline.
Comment: This sequence change falls in intron 1 of the RAB11B gene. It does not directly change the encoded amino acid sequence of the RAB11B protein. It affects a nucleotide within the consensus splice site. This variant is not present in population databases (gnomAD no frequency). This variant has not been reported in the literature in individuals affected with RAB11B-related conditions. ClinVar contains an entry for this variant (Variation ID: 1983857). Variants that disrupt the consensus splice site are a relatively common cause of aberrant splicing (PMID: 17576681, 9536098). Algorithms developed to predict the effect of sequence changes on RNA splicing suggest that this variant is not likely to affect RNA splicing. In summary, the available evidence is currently insufficient to determine the role of this variant in disease. Therefore, it has been classified as a Variant of Uncertain Significance.

Literature cited by the submitters: PubMed 17576681; PubMed 9536098.